The following is an entry in ClinVar:

NR_146960.1(DCLRE1C):n.149T>C

Genes: DCLRE1C (DNA cross-link repair 1C; minus strand), MEIG1 (meiosis/spermiogenesis associated 1; plus strand), LOC130003418 (ATAC-STARR-seq lymphoblastoid silent region 2165; plus strand). Cytogenetic location: 10p13.
Variant type: single nucleotide variant.
Molecular consequence: non-coding transcript variant (on NR_146960.1).
Genome position: GRCh38 VCF-style: chr10-14954284-A-G. GRCh37 (hg19) VCF-style: chr10-14996283-A-G.
Identifiers: ClinVar variation 2640323 (VCV002640323.22), dbSNP rs12411686, ClinGen allele CA13339665.

ClinVar aggregate classification (germline): Benign (1 of 4 stars; one submission).

Allele frequency attached by ClinVar (database versions not stated): 1000 Genomes Project 30x 0.00328; 1000 Genomes Project 0.00339; gnomAD exomes 0.00403; gnomAD 0.00406; TOPMed 0.00485.
gnomAD v4.1: 2,263 of 556,740 alleles (0.41%); highest among the groups gnomAD compares: Admixed American, 1.4%; 13 homozygotes.

Submission:

CeGaT Center for Human Genetics Tuebingen
Classification: Benign. Last evaluated: 2023-02-01. Review status: criteria provided, single submitter. Criteria: CeGaT Center For Human Genetics Tuebingen Variant Classification Criteria Version 2. Collection method: clinical testing. Allele origin: germline. Affected: yes. Observed: 2 variant alleles.
Comment: DCLRE1C: BS1, BS2